The following is an entry in ClinVar:

NC_000005.9:g.(?_94800311)_(94879051_?)del

Gene: SKIC3 (SKI3 subunit of superkiller complex; minus strand). Cytogenetic location: 5q15.
Variant type: Deletion.
Identifiers: ClinVar variation 1411842 (VCV001411842.5).

ClinVar aggregate classification (germline): Uncertain significance (1 of 4 stars; one submission).

Submission:

Labcorp Genetics (formerly Invitae), Labcorp
Classification: Uncertain significance. Last evaluated: 2021-08-12. Review status: criteria provided, single submitter. Criteria: Invitae Variant Classification Sherloc (09022015). Collection method: clinical testing. Allele origin: germline.
Comment: This variant is a gross deletion of the genomic region encompassing exon(s) 5-43 of the TTC37 gene, which includes the termination codon. This deletion extends beyond the assayed region for this gene and therefore may encompass additional genes. While this deletion is not anticipated to lead to nonsense mediated decay, it is expected to alter mRNA translation or result in a truncated protein product. This variant has not been reported in the literature in individuals affected with TTC37-related conditions. Experimental studies and prediction algorithms are not available or were not evaluated, and the functional significance of this variant is currently unknown. In summary, the available evidence is currently insufficient to determine the role of this variant in disease. Therefore, it has been classified as a Variant of Uncertain Significance.